The following is an entry in ClinVar:

NM_139125.4(MASP1):c.1466C>T (p.Ala489Val)

Gene: MASP1 (MBL associated serine protease 1; minus strand). Cytogenetic location: 3q27.3.
Variant type: single nucleotide variant.
Coding change: c.1466C>T on transcript NM_139125.4 (MANE Select); coding-DNA position 1466, C replaced by T.
Protein change: p.Ala489Val; replaces alanine 489 with valine.
Molecular consequence: missense variant. On other transcripts: non-coding transcript variant (1), intron variant (1).
Genome position (GRCh38, 1-based): chr3:187,236,405, G>A on the plus strand (C>T on the coding strand, the complement: MASP1 is on the minus strand). VCF-style: chr3-187236405-G-A. GRCh37 (hg19) VCF-style: chr3-186954193-G-A.
Other names: c.1303+5076C>T (NM_001879.6); short protein forms A489V.
Identifiers: ClinVar variation 2292489 (VCV002292489.4), dbSNP rs747651002, ClinGen allele CA2749254.

ClinVar aggregate classification (germline): Uncertain significance. Review status: criteria provided, single submitter (1 of 4 stars). 2 submissions from 2 submitters: Uncertain significance (1). 1 of the submissions does not count toward it. Last evaluated 2022-05-27.

Conditions:
Inborn genetic diseases. Identifiers: MedGen C0950123, MeSH D030342.
MASP1-related disorder. Also called: MASP1-related condition.

Allele frequency attached by ClinVar (database versions not stated): ExAC 0.00002; gnomAD 0.00003; TOPMed 0.00004.
gnomAD v4.1: 27 of 1,614,096 alleles (0.0017%); highest among the groups gnomAD compares: Admixed American, 0.022%; 1 homozygote.

Submissions (2):

Ambry Genetics
Classification: Uncertain significance for Inborn genetic diseases. Last evaluated: 2022-05-27. Review status: criteria provided, single submitter. Criteria: Ambry Variant Classification Scheme 2023. Collection method: clinical testing. Allele origin: germline.

PreventionGenetics, part of Exact Sciences
Classification: Uncertain significance for MASP1-related condition. Last evaluated: 2023-12-15. Review status: no assertion criteria provided. Collection method: clinical testing. Allele origin: germline. Not counted in ClinVar's aggregate classification.
Comment: The MASP1 c.1466C>T variant is predicted to result in the amino acid substitution p.Ala489Val. To our knowledge, this variant has not been reported in the literature. This variant is reported in 0.014% of alleles in individuals of Latino descent in gnomAD. At this time, the clinical significance of this variant is uncertain due to the absence of conclusive functional and genetic evidence.